The following is an entry in ClinVar:

NM_033163.5(FGF8):c.84G>T (p.Arg28Ser)

Gene: FGF8 (fibroblast growth factor 8; minus strand). Cytogenetic location: 10q24.32.
Variant type: single nucleotide variant.
Coding change: c.84G>T on transcript NM_033163.5 (MANE Select); coding-DNA position 84, G replaced by T.
Protein change: p.Arg28Ser; replaces arginine 28 with serine.
Molecular consequence: missense variant. On other transcripts: intron variant (3).
Genome position (GRCh38, 1-based): chr10:101,775,202, C>A on the plus strand (G>T on the coding strand, the complement: FGF8 is on the minus strand). VCF-style: chr10-101775202-C-A. GRCh37 (hg19) VCF-style: chr10-103534959-C-A.
Other names: c.84G>T, p.Arg28Ser (NM_033164.4); c.-123-323G>T (NM_001206389.2); c.70-323G>T (NM_033165.5); c.70-290G>T (NM_006119.6); c.84G>T (NM_033163.3); short protein forms R28S.
Identifiers: ClinVar variation 2672413 (VCV002672413.24), dbSNP rs199858724, ClinGen allele CA5657688.

ClinVar aggregate classification (germline): Likely benign. Review status: criteria provided, single submitter (1 of 4 stars). 2 submissions from 2 submitters: Likely benign (1). 1 of the submissions does not count toward it. Last evaluated 2023-11-01.

Conditions:
FGF8-related disorder. Also called: FGF8-related condition.

Allele frequency attached by ClinVar (database versions not stated): gnomAD exomes 0.00005; 1000 Genomes Project 30x 0.00031; ExAC 0.00054; ESP Exome Variant Server 0.00062; gnomAD 0.00070.
gnomAD v4.1: 186 of 1,547,644 alleles (0.012%); highest among the groups gnomAD compares: African/African-American, 0.24%; no homozygotes.

Submissions (2):

CeGaT Center for Human Genetics Tuebingen
Classification: Likely benign. Last evaluated: 2023-11-01. Review status: criteria provided, single submitter. Criteria: CeGaT Center For Human Genetics Tuebingen Variant Classification Criteria Version 2. Collection method: clinical testing. Allele origin: germline. Affected: yes. Observed: 1 variant allele.
Comment: FGF8: BS1

PreventionGenetics, part of Exact Sciences
Classification: Likely benign for FGF8-related condition. Last evaluated: 2023-06-06. Review status: no assertion criteria provided. Collection method: clinical testing. Allele origin: germline. Not counted in ClinVar's aggregate classification.
Comment: This variant is classified as likely benign based on ACMG/AMP sequence variant interpretation guidelines (Richards et al. 2015 PMID: 25741868, with internal and published modifications).